The following is an entry in ClinVar:

ClinVar aggregate classification (germline): Likely pathogenic (0 of 4 stars; one submission).

Submission:

Quest Diagnostics Nichols Institute San Juan Capistrano
Classification: Likely pathogenic. Last evaluated: 2021-02-01. Review status: no assertion criteria provided. Collection method: clinical testing. Allele origin: germline.
Comment: This recurrent deletion interval (BP1-BP2) is associated with chromosome 15q11.2 deletion syndrome (OMIM 615656). This deletion has been reported to confer susceptibility to neuropsychiatric and neurodevelopmental disorders, including delayed psychomotor development, speech delay, autism spectrum disorder, attention deficit-hyperactivity disorder, obsessive-compulsive disorder, and possibly seizures (Butler M. J Intellect Disabil Res. 2017 Jun;61(6):568-579. PMID: 28387067). The deletion is enriched in patients versus controls in multiple case-control studies (Coe et al., Nat Genet. 2014 Oct;46(10):1063-71., PMID: 25217958; Cooper et al., Nat Genet. 2011 Aug 14;43(9):838-46., PMID: 21841781; De Kovel et al., Brain. 2010 Jan;133(Pt 1):23-32., PMID: 19843651). However, the clinical significance of this recurrent deletion has been questioned because similar deletions have been observed in a number of uncharacterized controls and in unaffected relatives (Hashemi et al., Am J Med Genet A. 2015 Sep;167A(9):2098-102., PMID: 25946043). Currently, this copy number loss is best described as a susceptibility locus with variable phenotypic expressivity and incomplete penetrance possibly influenced by additional genetic or non-genetic modifiers. This deletion is interpreted as likely pathogenic susceptibility locus. Therefore, an abnormal phenotype is not fully predictable.

GRCh37/hg19 15q11.2(chr15:22811927-23082442)x1

Genes: CYFIP1 (cytoplasmic FMR1 interacting protein 1; minus strand), NIPA1 (NIPA magnesium transporter 1; plus strand), NIPA2 (NIPA magnesium transporter 2; plus strand), TUBGCP5 (tubulin gamma complex associated protein 5; minus strand). Cytogenetic location: 15q11.2.
Variant type: copy number loss.
Change: copy number 1 (one copy instead of two) of chr15:22,811,927-23,082,442 (270.5 kb, GRCh37 coordinates, 1-based), cytogenetic band 15q11.2.
Identifiers: ClinVar variation 1341234 (VCV001341234.1).